The following is an entry in ClinVar:

NM_001278669.2(NFATC1):c.204G>A (p.Pro68=)

Gene: NFATC1 (nuclear factor of activated T cells 1; plus strand). Cytogenetic location: 18q23.
Variant type: single nucleotide variant.
Coding change: c.204G>A on transcript NM_001278669.2 (MANE Select); coding-DNA position 204, G replaced by A.
Protein change: p.Pro68=; no amino-acid change (proline 68 retained).
Molecular consequence: synonymous variant. On other transcripts: intron variant (2).
Genome position (GRCh38, 1-based): chr18:79,410,479, G>A. VCF-style: chr18-79410479-G-A. GRCh37 (hg19) VCF-style: chr18-77170479-G-A.
Other names: c.204G>A (NM_001278669.1); c.204G>A, p.Pro68= (NM_001278670.2, NM_006162.5, NM_172390.3); c.165G>A, p.Pro55= (NM_001278672.2, NM_001278675.2, NM_172387.3 and 1 more transcripts); c.-191+14128G>A (NM_172388.3); c.-191+10000G>A (NM_001278673.2).
Identifiers: ClinVar variation 785825 (VCV000785825.12), dbSNP rs138101748, ClinGen allele CA9008769.
Genomic context (GRCh38, chr18:79,410,479, plus strand): 5'-ATCCTCCAACGTCAGCCCCGCCCTGCCGCTCCCCACGGCGCACTCCACCCTGCCGGCCCC[G>A]TGCCACAACCTTCAGACCTCCACACCGGGCATCATCCCGCCGGCGGATCACCCCTCGGGG-3'
Protein context (NP_001265598.1, residues 58-78): LPTAHSTLPA[Pro68=]CHNLQTSTPG

ClinVar aggregate classification (germline): Benign. Review status: criteria provided, multiple submitters, no conflicts (2 of 4 stars). 3 submissions from 3 submitters: Benign (2). 1 of the submissions does not count toward it. Last evaluated 2026-01-27.

Conditions:
NFATC1-related disorder. Also called: NFATC1-related condition.

Allele frequency attached by ClinVar (database versions not stated): gnomAD exomes 0.00186 and 0.00368; ExAC 0.00351; 1000 Genomes Project 0.00499; 1000 Genomes Project 30x 0.00515; gnomAD 0.00565 and 0.00587; TOPMed 0.00609; ESP Exome Variant Server 0.00692.
gnomAD v4.1: 3,768 of 1,612,234 alleles (0.23%); highest among the groups gnomAD compares: African/African-American, 1.5%; 63 homozygotes.

Submissions (3):

Labcorp Genetics (formerly Invitae), Labcorp
Classification: Benign. Last evaluated: 2026-01-27. Review status: criteria provided, single submitter. Criteria: Invitae Variant Classification Sherloc (09022015). Collection method: clinical testing. Allele origin: germline.

Breakthrough Genomics
Classification: Benign. Review status: criteria provided, single submitter. Criteria: ACMG Guidelines, 2015. Collection method: not provided. Allele origin: germline. Inheritance: Unknown mechanism. Affected: yes.

PreventionGenetics, part of Exact Sciences
Classification: Benign for NFATC1-related condition. Last evaluated: 2019-08-09. Review status: no assertion criteria provided. Collection method: clinical testing. Allele origin: germline. Not counted in ClinVar's aggregate classification.
Comment: This variant is classified as benign based on ACMG/AMP sequence variant interpretation guidelines (Richards et al. 2015 PMID: 25741868, with internal and published modifications).